The following is an entry in ClinVar:

ClinVar aggregate classification (germline): Likely benign (1 of 4 stars; one submission).

Allele frequency attached by ClinVar (database versions not stated): gnomAD exomes 0.00026; gnomAD 0.00027; ExAC 0.00029; TOPMed 0.00033; ESP Exome Variant Server 0.00038.
gnomAD v4.1: 423 of 1,613,878 alleles (0.026%); highest among the groups gnomAD compares: Non-Finnish European, 0.023%; no homozygotes.

Submission:

CeGaT Center for Human Genetics Tuebingen
Classification: Likely benign. Last evaluated: 2023-03-01. Review status: criteria provided, single submitter. Criteria: CeGaT Center For Human Genetics Tuebingen Variant Classification Criteria Version 2. Collection method: clinical testing. Allele origin: germline. Affected: yes. Observed: 1 variant allele.
Comment: CORO2B: BP4, BP7

NM_006091.5(CORO2B):c.540G>A (p.Thr180=)

Gene: CORO2B (coronin 2B; plus strand). Cytogenetic location: 15q23.
Variant type: single nucleotide variant.
Coding change: c.540G>A on transcript NM_006091.5 (MANE Select); coding-DNA position 540, G replaced by A.
Protein change: p.Thr180=; no amino-acid change (threonine 180 retained).
Molecular consequence: synonymous variant.
Genome position (GRCh38, 1-based): chr15:68,711,598, G>A. VCF-style: chr15-68711598-G-A. GRCh37 (hg19) VCF-style: chr15-69003937-G-A.
Other names: c.525G>A, p.Thr175= (NM_001190456.2, NM_001190457.2, NM_001324014.1 and 1 more transcripts).
Identifiers: ClinVar variation 2645491 (VCV002645491.24), dbSNP rs144633179, ClinGen allele CA7632519.
Genomic context (GRCh38, chr15:68,711,598, plus strand): 5'-GCAGGTCCTCATCTGGAACCTGGATGTGGGTGAGCCGGTGAAGATGATTGACTGCCACAC[G>A]GATGTGATCCTCTGCATGTCCTTCAACACGGACGGCAGCCTGCTCACCACCACGTGCAAG-3'
Protein context (NP_006082.3, residues 170-190): GEPVKMIDCH[Thr180=]DVILCMSFNT